The following is an entry in ClinVar:

ClinVar aggregate classification (germline): Uncertain significance (1 of 4 stars; one submission).

Conditions:
Cardiovascular phenotype. Identifiers: MedGen CN230736.

gnomAD v4.1: 1 of 1,613,974 alleles (0.000062%); highest among the groups gnomAD compares: Non-Finnish European, 0.000085%; no homozygotes.

Submission:

Ambry Genetics
Classification: Uncertain significance for Cardiovascular phenotype. Last evaluated: 2024-06-22. Review status: criteria provided, single submitter. Criteria: Ambry Variant Classification Scheme 2023. Collection method: clinical testing. Allele origin: germline.
Comment: The p.F727C variant (also known as c.2180T>G), located in coding exon 10 of the MYPN gene, results from a T to G substitution at nucleotide position 2180. The phenylalanine at codon 727 is replaced by cysteine, an amino acid with highly dissimilar properties. This amino acid position is conserved. In addition, this alteration is predicted to be tolerated by in silico analysis. Based on the available evidence, the clinical significance of this variant remains unclear.

NM_032578.4(MYPN):c.2180T>G (p.Phe727Cys)

Gene: MYPN (myopalladin; plus strand). Cytogenetic location: 10q21.3.
Variant type: single nucleotide variant.
Coding change: c.2180T>G on transcript NM_032578.4 (MANE Select); coding-DNA position 2180, T replaced by G.
Protein change: p.Phe727Cys; replaces phenylalanine 727 with cysteine.
Molecular consequence: missense variant. On other transcripts: non-coding transcript variant (2).
Genome position (GRCh38, 1-based): chr10:68,174,272, T>G. VCF-style: chr10-68174272-T-G. GRCh37 (hg19) VCF-style: chr10-69934029-T-G.
Other names: c.2180T>G, p.Phe727Cys (NM_001256267.2); c.1298T>G, p.Phe433Cys (NM_001256268.2); short protein forms F727C, F433C.
Identifiers: ClinVar variation 3298155 (VCV003298155.1).